The following is an entry in ClinVar:

ClinVar aggregate classification (germline): Pathogenic (1 of 4 stars; one submission).

Submission:

Labcorp Genetics (formerly Invitae), Labcorp
Classification: Pathogenic. Last evaluated: 2021-02-07. Review status: criteria provided, single submitter. Criteria: Invitae Variant Classification Sherloc (09022015). Collection method: clinical testing. Allele origin: germline.
Comment: For these reasons, this variant has been classified as Pathogenic. This variant has not been reported in the literature in individuals with CDH23-related conditions. This variant is not present in population databases (ExAC no frequency). This sequence change creates a premature translational stop signal (p.His1769Argfs*56) in the CDH23 gene. It is expected to result in an absent or disrupted protein product. Loss-of-function variants in CDH23 are known to be pathogenic (PMID: 11138009, 21940737).

Literature cited by the submitters: PubMed 11138009; PubMed 21940737.

NM_022124.6(CDH23):c.5306_5307del (p.His1769fs)

Gene: CDH23 (cadherin related 23; plus strand). Cytogenetic location: 10q22.1.
Variant type: Deletion.
Coding change: c.5306_5307del on transcript NM_022124.6 (MANE Select); coding-DNA positions 5306 to 5307, 2 bases deleted (AT; older notation c.5306_5307delAT).
Protein change: p.His1769fs; shifts the reading frame from histidine 1769.
Molecular consequence: frameshift variant.
Genome position (GRCh38, 1-based): chr10:71,779,385-71,779,386, AT deleted. VCF-style (leftmost placement, unchanged base first): chr10-71779384-CAT-C. GRCh37 (hg19) VCF-style: chr10-73539141-CAT-C.
Other names: short protein forms H1769fs.
Identifiers: ClinVar variation 1352013 (VCV001352013.6), dbSNP rs2132929805, ClinGen allele CA2573145367.